The following is an entry in ClinVar:

NM_000277.3(PAH):c.169_171del

Gene: PAH (phenylalanine hydroxylase; minus strand). Cytogenetic location: 12q23.2.
Variant type: Deletion.
Coding change: c.169_171del on transcript NM_000277.3 (MANE Select); coding-DNA positions 169 to 171, 3 bases deleted (GAG; older notation c.169_171delGAG).
Molecular consequence: splice acceptor variant.
Genome position (GRCh38, 1-based): chr12:102,894,916-102,894,918, CTC deleted on the plus strand (GAG on the coding strand, the reverse complement: PAH is on the minus strand); deleting any 3 consecutive bases within chr12:102,894,916-102,894,920 gives the same sequence; the c. name uses the placement nearest the transcript's 3' end. VCF-style (leftmost placement, unchanged base first): chr12-102894915-TCTC-T. GRCh37 (hg19) VCF-style: chr12-103288693-TCTC-T.
Other names: c.169_171delGAG (NM_000277.2); c.169_171del (NM_000277.2).
Identifiers: ClinVar variation 102613 (VCV000102613.15), dbSNP rs199475665, ClinGen allele CA229461.

ClinVar aggregate classification (germline): Likely pathogenic. Review status: reviewed by expert panel (3 of 4 stars). 8 submissions from 8 submitters: Likely pathogenic (1). 7 of the submissions do not count toward it. Last evaluated 2019-08-26.

Conditions:
Phenylketonuria (PKU). Also called: Phenylketonuria (PKU); FOLLING DISEASE; OLIGOPHRENIA PHENYLPYRUVICA; Phenylketonurias. Identifiers: Orphanet 716, MedGen C0031485, MONDO:0009861, OMIM 261600. Disease mechanism: loss of function.

Submissions (8):

ClinGen PAH Variant Curation Expert Panel
Classification: Likely pathogenic for Phenylketonuria. Last evaluated: 2019-08-26. Review status: reviewed by expert panel. Criteria: ClinGen PAH ACMG Specifications v1. Collection method: curation. Allele origin: germline. Inheritance: Autosomal recessive inheritance.
Comment: The c.169_171del in-frame deletion variant has been identified in at least 2 probands with phenotypes of mild to classic PKU (PMIDs: 18299955, 22106832). It has been detected in trans with pathogenic variants Ala403Val (PMID: 18299955) and c.1066-11G>A (PMID: 22106832). This variant is absent from 1000G, ESP, and gnomAD databases. In summary, this variant meets criteria to be classified as likely pathogenic for PAH. PAH-specific ACMG/AMP criteria applied: PM3_Strong, PM2, PM4, PP4.

Department of Molecular Genetics, Istishari Arab Hospital
Classification: Pathogenic for Phenylketonuria. Last evaluated: 2026-03-09. Review status: criteria provided, single submitter. Criteria: ACMG Guidelines, 2015. Collection method: clinical testing. Allele origin: germline. Inheritance: Autosomal recessive inheritance. Affected: yes. Not counted in ClinVar's aggregate classification.
Comment: The PAH variant c.169_171del, p.Glu57del creates an in-frame deletion of codon 57. This variant is in close proximity to the highly conserved splice site and thus is expected to disrupt normal splicing. This variant is not observed in the gnomAD v4.1.0 dataset. This variant was previously reported in patients with Phenylketonuria (PMID: 18299955, 22106832). It is classified as pathogenic based on ACMG/AMP/ClinGen SVI guidelines

Natera, Inc.
Classification: Pathogenic for Phenylketonuria. Last evaluated: 2025-09-16. Review status: criteria provided, single submitter. Criteria: Natera Variant Classification Schema (03/2026). Collection method: clinical testing. Allele origin: germline. Not counted in ClinVar's aggregate classification.
Comment: The c.169_171del variant in PAH is an in-frame deletion. This variant is rare in the general population with a frequency below the threshold expected for the associated phenotype(s). This variant has been observed in one or more individuals affected with the associated recessive disease, as either homozygous or compound heterozygous with a second variant (PMID: 32905092, 37701331, 40630137). Additionally, this variant has been observed to segregate in affected family members (PMID: 37701331). This variant results in a change to the protein length while preserving reading frame, which may disrupt normal protein structure or function. Computational prediction algorithms indicate this variant is likely to affect gene or protein function. Given the available evidence, this variant is classified as Pathogenic.

3billion
Classification: Pathogenic for Phenylketonuria. Last evaluated: 2025-09-15. Review status: criteria provided, single submitter. Criteria: ACMG Guidelines, 2015. Collection method: clinical testing. Allele origin: germline. Affected: yes. Not counted in ClinVar's aggregate classification.
Comment: The variant is not observed in the gnomAD v4.1.0 dataset. Predicted Consequence/Location: Inframe deletion located in a nonrepeat region: predicted to change the length of the protein and disrupt normal protein function. In silico tools predict the variant to alter splicing and produce an abnormal transcript [SpliceAI: 1.00 (>=0.2, moderate evidence for spliceogenicity)]. The variant has been reported to be in trans with a pathogenic variant as either compound heterozygous or homozygous in at least 2 similarly affected unrelated individuals (PMID: 18299955, 22106832). The variant has been reported multiple times as an established pathogenic variant (ClinVar ID: VCV000102613 /PMID: 18299955). Therefore, this variant is classified as Pathogenic according to the recommendation of ACMG/AMP guideline.

Revvity Omics, Revvity
Classification: Likely pathogenic for Phenylketonuria. Last evaluated: 2025-06-19. Review status: criteria provided, single submitter. Criteria: ACMG Guidelines, 2015. Collection method: clinical testing. Allele origin: germline. Not counted in ClinVar's aggregate classification.

Baylor Genetics
Classification: Pathogenic for Phenylketonuria. Last evaluated: 2023-01-18. Review status: criteria provided, single submitter. Criteria: ACMG Guidelines, 2015. Collection method: clinical testing. Allele origin: unknown. Not counted in ClinVar's aggregate classification.

Labcorp Genetics (formerly Invitae), Labcorp
Classification: Pathogenic for Phenylketonuria. Last evaluated: 2022-01-18. Review status: criteria provided, single submitter. Criteria: Invitae Variant Classification Sherloc (09022015). Collection method: clinical testing. Allele origin: germline. Not counted in ClinVar's aggregate classification.
Comment: ClinVar contains an entry for this variant (Variation ID: 102613). For these reasons, this variant has been classified as Pathogenic. This variant disrupts a region of the PAH protein in which other variant(s) (p.Glu57Lys) have been observed in individuals with PAH-related conditions (PMID: 21147011). This suggests that this is a clinically significant region of the protein, and that variants that disrupt it are likely to be disease-causing. This variant is also known as IVS2 -2 del. This variant has been observed in individual(s) with hyperphenylalaninemia (PMID: 18299955, 22106832, 32668217, 32905092). This variant is not present in population databases (gnomAD no frequency). This variant, c.169_171del, results in the deletion of 1 amino acid(s) of the PAH protein (p.Glu57del), but otherwise preserves the integrity of the reading frame.

DeBelle Laboratory for Biochemical Genetics, MUHC/MCH RESEARCH INSTITUTE
No classification provided. Review status: no classification provided. Collection method: not provided. Allele origin: not provided. Not counted in ClinVar's aggregate classification.

Literature cited by the submitters: PubMed 22106832 (cited by 4 submitters); PubMed 18299955 (cited by 4 submitters); PubMed 32905092 (cited by Natera, Inc. and Labcorp Genetics (formerly Invitae), Labcorp); PubMed 37701331 (cited by Natera, Inc.); PubMed 40630137 (cited by Natera, Inc.); PubMed 21147011 (cited by Labcorp Genetics (formerly Invitae), Labcorp); PubMed 32668217 (cited by Labcorp Genetics (formerly Invitae), Labcorp).